The following is an entry in ClinVar:

ClinVar aggregate classification (germline): Likely pathogenic (1 of 4 stars; one submission).

Conditions:
Marfan syndrome (MFS). Also called: MARFAN SYNDROME, TYPE I; Marfan syndrome type 1; Marfan's syndrome; Marfan syndrome, classic; FBN1-Related Marfan Syndrome. Identifiers: Orphanet 284963, Orphanet 558, MedGen C0024796, MONDO:0007947, OMIM 154700.
Familial thoracic aortic aneurysm and aortic dissection (TAAD). Also called: Thoracic aortic aneurysms and dissections. Identifiers: Orphanet 91387, MedGen C4707243, MONDO:0019625.

Submission:

Labcorp Genetics (formerly Invitae), Labcorp
Classification: Likely pathogenic for Marfan syndrome; Familial thoracic aortic aneurysm and aortic dissection. Last evaluated: 2023-03-14. Review status: criteria provided, single submitter. Criteria: Invitae Variant Classification Sherloc (09022015). Collection method: clinical testing. Allele origin: germline.
Comment: In summary, the currently available evidence indicates that the variant is pathogenic, but additional data are needed to prove that conclusively. Therefore, this variant has been classified as Likely Pathogenic. This variant disrupts the p.Cys2289 amino acid residue in FBN1. Other variant(s) that disrupt this residue have been observed in individuals with FBN1-related conditions (PMID: 19293843, 26621581), which suggests that this may be a clinically significant amino acid residue. This variant affects a cysteine residue in the EGF-like, TGFBP or hybrid motif domains of FBN1. Cysteine residues are believed to be involved in intramolecular disulfide bridges and have been shown to be important for FBN1 protein structure (PMID: 16905551, 19349279). In addition, missense substitutions affecting cysteine residues within these domains are significantly overrepresented among patients with Marfan syndrome (PMID: 16571647, 17701892). Advanced modeling of protein sequence and biophysical properties (such as structural, functional, and spatial information, amino acid conservation, physicochemical variation, residue mobility, and thermodynamic stability) performed at Invitae indicates that this missense variant is expected to disrupt FBN1 protein function. This variant has not been reported in the literature in individuals affected with FBN1-related conditions. This variant is not present in population databases (gnomAD no frequency). This sequence change replaces cysteine, which is neutral and slightly polar, with serine, which is neutral and polar, at codon 2289 of the FBN1 protein (p.Cys2289Ser).

Literature cited by the submitters: PubMed 19293843; PubMed 26621581; PubMed 16905551; PubMed 19349279; PubMed 16571647; PubMed 17701892.

NM_000138.5(FBN1):c.6865T>A (p.Cys2289Ser)

Gene: FBN1 (fibrillin 1; minus strand). Cytogenetic location: 15q21.1.
Variant type: single nucleotide variant.
Coding change: c.6865T>A on transcript NM_000138.5 (MANE Select); coding-DNA position 6865, T replaced by A.
Protein change: p.Cys2289Ser; replaces cysteine 2289 with serine.
Molecular consequence: missense variant.
Genome position (GRCh38, 1-based): chr15:48,430,677, A>T on the plus strand (T>A on the coding strand, the complement: FBN1 is on the minus strand). VCF-style: chr15-48430677-A-T. GRCh37 (hg19) VCF-style: chr15-48722874-A-T.
Other names: c.6865T>A, p.Cys2289Ser (NM_001406716.1); short protein forms C2289S.
Identifiers: ClinVar variation 2945291 (VCV002945291.3), dbSNP rs869025413, ClinGen allele CA392331886.